The following is an entry in ClinVar:

ClinVar aggregate classification (germline): Uncertain significance (1 of 4 stars; one submission).

Conditions:
Idiopathic generalized epilepsy. Also called: EIG; Generalised epilepsy. Identifiers: MedGen C0270850, MONDO:0005579, OMIM 600669.
Epilepsy, idiopathic generalized, susceptibility to, 13. Also called: EPILEPSY, JUVENILE MYOCLONIC, SUSCEPTIBILITY TO, 5. Identifiers: Orphanet 307, Orphanet 64280, MedGen C4013473, MONDO:0012627, OMIM 611136.
Epilepsy, childhood absence 4 (ECA4). Also called: EPILEPSY, CHILDHOOD ABSENCE, SUSCEPTIBILITY TO, 4. Identifiers: Orphanet 307, MedGen C1970160.

Submission:

Labcorp Genetics (formerly Invitae), Labcorp
Classification: Uncertain significance for Epilepsy, childhood absence 4; Epilepsy, idiopathic generalized, susceptibility to, 13; Idiopathic generalized epilepsy. Last evaluated: 2023-05-25. Review status: criteria provided, single submitter. Criteria: Invitae Variant Classification Sherloc (09022015). Collection method: clinical testing. Allele origin: germline.
Comment: In summary, the available evidence is currently insufficient to determine the role of this variant in disease. Therefore, it has been classified as a Variant of Uncertain Significance. Algorithms developed to predict the effect of sequence changes on RNA splicing suggest that this variant may disrupt the consensus splice site. Advanced modeling of protein sequence and biophysical properties (such as structural, functional, and spatial information, amino acid conservation, physicochemical variation, residue mobility, and thermodynamic stability) has been performed at Invitae for this missense variant, however the output from this modeling did not meet the statistical confidence thresholds required to predict the impact of this variant on GABRA1 protein function. This variant has not been reported in the literature in individuals affected with GABRA1-related conditions. This variant is not present in population databases (gnomAD no frequency). This sequence change replaces serine, which is neutral and polar, with isoleucine, which is neutral and non-polar, at codon 96 of the GABRA1 protein (p.Ser96Ile).

NM_001127644.2(GABRA1):c.287G>T (p.Ser96Ile)

Gene: GABRA1 (gamma-aminobutyric acid type A receptor subunit alpha1; plus strand). Cytogenetic location: 5q34.
Variant type: single nucleotide variant.
Coding change: c.287G>T on transcript NM_001127644.2 (MANE Select); coding-DNA position 287, G replaced by T.
Protein change: p.Ser96Ile; replaces serine 96 with isoleucine.
Molecular consequence: missense variant.
Genome position (GRCh38, 1-based): chr5:161,873,148, G>T. VCF-style: chr5-161873148-G-T. GRCh37 (hg19) VCF-style: chr5-161300154-G-T.
Other names: c.287G>T, p.Ser96Ile (NM_000806.5, NM_001127643.2, NM_001127645.2 and 1 more transcripts); short protein forms S96I.
Identifiers: ClinVar variation 2948205 (VCV002948205.3), dbSNP rs2532239142, ClinGen allele CA362178730.
Genomic context (GRCh38, chr5:161,873,148, plus strand): 5'-ACTCTTCGTCATTTTCCAAAATTACCTAGGAATATACAATAGATGTATTTTTCCGTCAAA[G>T]CTGGAAGGATGAAAGGTTAAAATTTAAAGGACCTATGACAGTCCTCCGGTTAAATAACCT-3'
Protein context (NP_001121116.1, residues 86-106): EYTIDVFFRQ[Ser96Ile]WKDERLKFKG